The following is an entry in ClinVar:

ClinVar aggregate classification (germline): Pathogenic (1 of 4 stars; one submission).

Conditions:
Sandhoff disease. Also called: GM2-GANGLIOSIDOSIS, TYPE II; HEXOSAMINIDASES A AND B DEFICIENCY; Beta-hexosaminidase-beta-subunit deficiency; GM2 gangliosidosis, type 2; Total hexosaminidase deficiency; Sandhoff-Jatzkewitz-Pilz disease. Identifiers: Orphanet 796, MedGen C0036161, MONDO:0010006, OMIM 268800.

Submission:

3billion
Classification: Pathogenic for Sandhoff disease. Last evaluated: 2024-10-07. Review status: criteria provided, single submitter. Criteria: ACMG Guidelines, 2015. Collection method: clinical testing. Allele origin: germline. Affected: yes.
Comment: The variant is not observed in the gnomAD v4.1.0 dataset. Predicted Consequence/Location: Stop-gained (nonsense): predicted to result in a loss or disruption of normal protein function through nonsense-mediated decay (NMD) or protein truncation. Multiple pathogenic variants are reported downstream of the variant. Therefore, this variant is classified as Pathogenic according to the recommendation of ACMG/AMP guideline.

NM_000521.4(HEXB):c.1165C>T (p.Gln389Ter)

Gene: HEXB (hexosaminidase subunit beta; plus strand). Cytogenetic location: 5q13.3.
Variant type: single nucleotide variant.
Coding change: c.1165C>T on transcript NM_000521.4 (MANE Select); coding-DNA position 1165, C replaced by T.
Protein change: p.Gln389Ter; replaces glutamine 389 with a stop codon.
Molecular consequence: nonsense.
Genome position (GRCh38, 1-based): chr5:74,716,669, C>T. VCF-style: chr5-74716669-C-T. GRCh37 (hg19) VCF-style: chr5-74012494-C-T.
Other names: c.490C>T, p.Gln164Ter (NM_001292004.2); short protein forms Q164*, Q389*.
Identifiers: ClinVar variation 4293504 (VCV004293504.1).